The following is an entry in ClinVar:

NM_001079802.2(FKTN):c.314G>T (p.Cys105Phe)

Gene: FKTN (fukutin; plus strand). Cytogenetic location: 9q31.2.
Variant type: single nucleotide variant.
Coding change: c.314G>T on transcript NM_001079802.2 (MANE Select); coding-DNA position 314, G replaced by T.
Protein change: p.Cys105Phe; replaces cysteine 105 with phenylalanine.
Molecular consequence: missense variant. On other transcripts: 5 prime UTR variant (4), non-coding transcript variant (2).
Genome position (GRCh38, 1-based): chr9:105,601,293, G>T. VCF-style: chr9-105601293-G-T. GRCh37 (hg19) VCF-style: chr9-108363574-G-T.
Other names: c.314G>T, p.Cys105Phe (NM_001198963.2, NM_001351496.2, NM_001351498.2 and 1 more transcripts); c.245G>T, p.Cys82Phe (NM_001351497.2); c.-201G>T (NM_001351499.2, NM_001351500.2, NM_001351501.2 and 1 more transcripts); short protein forms C105F, C82F.
Identifiers: ClinVar variation 191237 (VCV000191237.3), dbSNP rs786205597, ClinGen allele CA236327.
Genomic context (GRCh38, chr9:105,601,293, plus strand): 5'-AGAACTTTGAACAAGTCAAAAATACTTCTCATGGCTCTACTTCACAATGCAAGTTTTTCT[G>T]TGTTCCAAGAGACTTTACTGCATTTGCACTGCAGTATCACCTATGGAAGAATGAGGTAAG-3'
Protein context (NP_001073270.1, residues 95-115): HGSTSQCKFF[Cys105Phe]VPRDFTAFAL

ClinVar aggregate classification (germline): Conflicting classifications of pathogenicity. Review status: criteria provided, conflicting classifications (1 of 4 stars). 3 submissions from 2 submitters: Likely pathogenic (1); Uncertain significance (1). 1 of the submissions does not count toward it. Last evaluated 2024-03-25.

Conditions:
Myopathy caused by variation in FKTN. Identifiers: MedGen CN305638, MONDO:0700067.
Muscular dystrophy-dystroglycanopathy (congenital with brain and eye anomalies), type A, 4 (MDDGA4). Also called: Muscular dystrophy, congenital progressive, with mental retardation; Muscular dystrophy, congenital, with central nervous system involvement; Cerebromuscular dystrophy, Fukuyama type; Congenital muscular dystrophy-dystroglycanopathy with brain and eye anomalies, type A4; Walker-Warburg Syndrome, Fktn-Related; WALKER-WARBURG SYNDROME OR MUSCLE-EYE-BRAIN DISEASE, FKTN-RELATED. Identifiers: Orphanet 272, Orphanet 588, Orphanet 899, MedGen C0410174, MONDO:0009678, OMIM 253800.

Submissions (3):

Genomic Medicine Center of Excellence, King Faisal Specialist Hospital and Research Centre
Classification: Likely pathogenic for Muscular dystrophy-dystroglycanopathy (congenital with brain and eye anomalies), type A, 4. Last evaluated: 2024-03-25. Review status: criteria provided, single submitter. Criteria: ACMG Guidelines, 2015. Collection method: clinical testing. Allele origin: germline.

Victorian Clinical Genetics Services, Murdoch Childrens Research Institute
Classification: Uncertain significance for Myopathy caused by variation in FKTN. Last evaluated: 2020-10-19. Review status: criteria provided, single submitter. Criteria: ACMG Guidelines, 2015. Collection method: clinical testing. Allele origin: germline. Inheritance: Autosomal recessive inheritance.
Comment: Based on the classification scheme VCGS_Germline_v1.3.4, this variant is classified as 3B-VUS. Following criteria are met: 0102 - Loss of function is a known mechanism of disease in this gene and is associated with Cardiomyopathy, dilated, 1X (MIM#611615), congenital muscular dystrophy type A, 4 (MIM#253800), type B, 4 (MIM#613152) and limb-girdle muscular dystophy, type C, 4 (MIM#611588) (OMIM). (I) 0106 - This gene is associated with autosomal recessive disease. (I) 0200 - Variant is predicted to result in a missense amino acid change from cysteine to phenylalanine. (I) 0251 - This variant is heterozygous. (I) 0301 - Variant is absent from gnomAD (both v2 and v3). (SP) 0501 - Missense variant consistently predicted to be damaging by multiple in silico tools and highly conserved with a major amino acid change. (SP) 0604 - Variant is not located in an established domain, motif, hotspot or informative constraint region. (I) 0705 - No comparable missense variants have previous evidence for pathogenicity. Although the p.C105Y missense variant has been classified in LOVD as likely pathogenic, there was no evidence provided to support pathogenicity and therefore could not be considered. (I) 0803 - This variant has limited previous evidence of pathogenicity in an unrelated individual. The p.Cys105Phe variant has been reported in one Limb-Girdle Muscular Dystrophy family, where muscle biopsy of the affected individual demonstrated dystrophic or myopathic changes (PMID: 27671536). (SP) 0905 - No published segregation evidence has been identified for this variant. (I) 1007 - No published functional evidence has been identified for this variant. (I) 1208 - Inheritance information for this variant is not currently available in this individual. (I) Legend: (SP) - Supporting pathogenic, (I) - Information, (SB) - Supporting benign

Genomic Medicine Center of Excellence, King Faisal Specialist Hospital and Research Centre
Classification: Likely pathogenic. Review status: flagged submission. Criteria: ACMG Guidelines, 2015. Collection method: research. Allele origin: germline. Affected: yes. Not counted in ClinVar's aggregate classification.
ClinVar note: Reason: This record appears to be redundant with a more recent record from the same submitter.
ClinVar note: Notes: SCV000221623 appears to be redundant with SCV004805903.

Literature cited by the submitters: PubMed 27671536 (cited by Victorian Clinical Genetics Services, Murdoch Childrens Research Institute).